The following is an entry in ClinVar:

ClinVar aggregate classification (germline): Uncertain significance (1 of 4 stars; one submission).

Allele frequency attached by ClinVar (database versions not stated): gnomAD 0.00001; ExAC 0.00002.

Submission:

Labcorp Genetics (formerly Invitae), Labcorp
Classification: Uncertain significance. Last evaluated: 2022-02-06. Review status: criteria provided, single submitter. Criteria: Invitae Variant Classification Sherloc (09022015). Collection method: clinical testing. Allele origin: germline.
Comment: In summary, the available evidence is currently insufficient to determine the role of this variant in disease. Therefore, it has been classified as a Variant of Uncertain Significance. Algorithms developed to predict the effect of missense changes on protein structure and function (SIFT, PolyPhen-2, Align-GVGD) all suggest that this variant is likely to be tolerated. This variant has not been reported in the literature in individuals affected with ACE-related conditions. The frequency data for this variant in the population databases is considered unreliable, as metrics indicate poor data quality at this position in the gnomAD database. This sequence change replaces arginine, which is basic and polar, with histidine, which is basic and polar, at codon 1256 of the ACE protein (p.Arg1256His).

NM_000789.4(ACE):c.3767G>A (p.Arg1256His)

Gene: ACE (angiotensin I converting enzyme; plus strand). Cytogenetic location: 17q23.3.
Variant type: single nucleotide variant.
Coding change: c.3767G>A on transcript NM_000789.4 (MANE Select); coding-DNA position 3767, G replaced by A.
Protein change: p.Arg1256His; replaces arginine 1256 with histidine.
Molecular consequence: missense variant. On other transcripts: non-coding transcript variant (1).
Genome position (GRCh38, 1-based): chr17:63,497,212, G>A. VCF-style: chr17-63497212-G-A. GRCh37 (hg19) VCF-style: chr17-61574573-G-A.
Other names: c.1922G>A, p.Arg641His (NM_001178057.2); c.3200G>A, p.Arg1067His (NM_001382700.1); c.2915G>A, p.Arg972His (NM_001382701.1); c.1382G>A, p.Arg461His (NM_001382702.1); c.2045G>A, p.Arg682His (NM_152830.3); short protein forms R641H, R972H, R1067H, R682H, R1256H, R461H.
Identifiers: ClinVar variation 1933297 (VCV001933297.4), dbSNP rs766377685, ClinGen allele CA8700659.
Genomic context (GRCh38, chr17:63,497,212, plus strand): 5'-CCCTCCCAGACAGCGGCCGCGTCAGCTTCCTGGGCCTGGACCTGGATGCGCAGCAGGCCC[G>A]CGTGGGCCAGTGGCTGCTGCTCTTCCTGGGCATCGCCCTGCTGGTAGCCACCCTGGGCCT-3'
Protein context (NP_000780.1, residues 1246-1266): LGLDLDAQQA[Arg1256His]VGQWLLLFLG